The following is an entry in ClinVar:

NM_002677.5(PMP2):c.253G>A (p.Val85Ile)

Gene: PMP2 (peripheral myelin protein 2; minus strand). Cytogenetic location: 8q21.13.
Variant type: single nucleotide variant.
Coding change: c.253G>A on transcript NM_002677.5 (MANE Select); coding-DNA position 253, G replaced by A.
Protein change: p.Val85Ile; replaces valine 85 with isoleucine.
Molecular consequence: missense variant.
Genome position (GRCh38, 1-based): chr8:81,444,595, C>T on the plus strand (G>A on the coding strand, the complement: PMP2 is on the minus strand). VCF-style: chr8-81444595-C-T. GRCh37 (hg19) VCF-style: chr8-82356830-C-T.
Other names: c.80G>A, p.Arg27His (NM_001348381.2); short protein forms V85I, R27H.
Identifiers: ClinVar variation 1411607 (VCV001411607.9), dbSNP rs201080587, ClinGen allele CA4791931.
Genomic context (GRCh38, chr8:81,444,595, plus strand): 5'-TGGTTGTCTCTTTGCCATCCCATCTCTGCACTTGATTCAGTGATCCTCTCTGCAGGGTTA[C>T]GATGCTCTGCAAAGACAAGGTCATGCAATTGACTTGCCTGAAATTTGTTGATCAAAGAAG-3'
Protein context (NP_002668.1, residues 75-95): TADNRKTKSI[Val85Ile]TLQRGSLNQV

ClinVar aggregate classification (germline): Uncertain significance. Review status: criteria provided, multiple submitters, no conflicts (2 of 4 stars). 2 submissions from 2 submitters: Uncertain significance (2). Last evaluated 2024-11-30.

Allele frequency attached by ClinVar (database versions not stated): gnomAD 0.00002; gnomAD exomes 0.00002 and 0.00003; TOPMed 0.00002; ExAC 0.00004; ESP Exome Variant Server 0.00023.
gnomAD v4.1: 35 of 1,611,384 alleles (0.0022%); highest among the groups gnomAD compares: South Asian, 0.014%; no homozygotes.

Submissions (2):

Labcorp Genetics (formerly Invitae), Labcorp
Classification: Uncertain significance. Last evaluated: 2024-11-30. Review status: criteria provided, single submitter. Criteria: Invitae Variant Classification Sherloc (09022015). Collection method: clinical testing. Allele origin: germline.
Comment: This sequence change replaces valine, which is neutral and non-polar, with isoleucine, which is neutral and non-polar, at codon 85 of the PMP2 protein (p.Val85Ile). This variant is present in population databases (rs201080587, gnomAD 0.01%). This variant has not been reported in the literature in individuals affected with PMP2-related conditions. ClinVar contains an entry for this variant (Variation ID: 1411607). An algorithm developed to predict the effect of missense changes on protein structure and function outputs the following: PolyPhen-2: "Benign". The isoleucine amino acid residue is found in multiple mammalian species, which suggests that this missense change does not adversely affect protein function. In summary, the available evidence is currently insufficient to determine the role of this variant in disease. Therefore, it has been classified as a Variant of Uncertain Significance.

Breakthrough Genomics
Classification: Uncertain significance. Review status: criteria provided, single submitter. Criteria: ACMG Guidelines, 2015. Collection method: not provided. Allele origin: germline. Inheritance: Autosomal recessive inheritance. Affected: yes.